The following is an entry in ClinVar:

NM_032208.3(ANTXR1):c.1475C>T (p.Pro492Leu)

Gene: ANTXR1 (ANTXR cell adhesion molecule 1; plus strand). Cytogenetic location: 2p13.3.
Variant type: single nucleotide variant.
Coding change: c.1475C>T on transcript NM_032208.3 (MANE Select); coding-DNA position 1475, C replaced by T.
Protein change: p.Pro492Leu; replaces proline 492 with leucine.
Molecular consequence: missense variant.
Genome position (GRCh38, 1-based): chr2:69,245,265, C>T. VCF-style: chr2-69245265-C-T. GRCh37 (hg19) VCF-style: chr2-69472397-C-T.
Other names: short protein forms P492L.
Identifiers: ClinVar variation 2504319 (VCV002504319.1), dbSNP rs2465887511, ClinGen allele CA347420820.
Genomic context (GRCh38, chr2:69,245,265, plus strand): 5'-TCTCTCCAATTCTTTTCTAGGGGCGCTGCATCAACTTCACCAGGGTCAAGAACAACCAGC[C>T]AGCCAAGTACCCACTCAACAACGCCTACCACACCTCCTCGCCGCCTCCTGCCCCCATCTA-3'
Protein context (NP_115584.1, residues 482-502): INFTRVKNNQ[Pro492Leu]AKYPLNNAYH

ClinVar aggregate classification (germline): Uncertain significance (1 of 4 stars; one submission).

Submission:

GeneDx
Classification: Uncertain significance. Last evaluated: 2022-12-01. Review status: criteria provided, single submitter. Criteria: GeneDx Variant Classification Process June 2021. Collection method: clinical testing. Allele origin: germline. Affected: yes.
Comment: Not observed at significant frequency in large population cohorts (gnomAD); In silico analysis supports that this missense variant does not alter protein structure/function; Has not been previously published as pathogenic or benign to our knowledge